The following is an entry in ClinVar:

NM_001128178.3(NPHP1):c.1524A>G (p.Val508=)

Gene: NPHP1 (nephrocystin 1; minus strand). Cytogenetic location: 2q13.
Variant type: single nucleotide variant.
Coding change: c.1524A>G on transcript NM_001128178.3 (MANE Select); coding-DNA position 1524, A replaced by G.
Protein change: p.Val508=; no amino-acid change (valine 508 retained).
Molecular consequence: synonymous variant.
Genome position (GRCh38, 1-based): chr2:110,143,547, T>C on the plus strand (A>G on the coding strand, the complement: NPHP1 is on the minus strand). VCF-style: chr2-110143547-T-C. GRCh37 (hg19) VCF-style: chr2-110901124-T-C.
Other names: c.1692A>G, p.Val564= (NM_000272.5); c.1335A>G, p.Val445= (NM_001128179.3); c.1521A>G, p.Val507= (NM_001374256.1); c.1524A>G, p.Val508= (NM_001374257.1); c.1689A>G, p.Val563= (NM_207181.4).
Identifiers: ClinVar variation 385557 (VCV000385557.12), dbSNP rs146220435, ClinGen allele CA1826995.

ClinVar aggregate classification (germline): Likely benign. Review status: criteria provided, multiple submitters, no conflicts (2 of 4 stars). 5 submissions from 5 submitters: Likely benign (4). 1 of the submissions does not count toward it. Last evaluated 2025-12-26.

Conditions:
Nephronophthisis. Also called: Juvenile Nephronophthisis. Identifiers: Orphanet 655, MedGen C0687120, MONDO:0019005, HP:0000090.
Nephronophthisis 1 (NPHP1). Also called: Nephronophthisis familial juvenile. Identifiers: Orphanet 655, Orphanet 93592, MedGen C1855681, MONDO:0009728, OMIM 256100.
Joubert syndrome with renal defect. Also called: JOUBERT SYNDROME 4. Identifiers: Orphanet 220497, MedGen C1846790, MONDO:0012308, OMIM 609583.
Senior-Loken syndrome 1 (SLSN1). Also called: JUVENILE NEPHRONOPHTHISIS WITH LEBER AMAUROSIS. Identifiers: Orphanet 3156, MedGen C4551559, MONDO:0009962, OMIM 266900.
NPHP1-related disorder. Also called: NPHP1-related disorders; NPHP1-related condition.

Allele frequency attached by ClinVar (database versions not stated): gnomAD exomes 0.00004 and 0.00018; ExAC 0.00005; gnomAD 0.00009; TOPMed 0.00012; ESP Exome Variant Server 0.00015.
gnomAD v4.1: 271 of 1,609,266 alleles (0.017%); highest among the groups gnomAD compares: East Asian, 0.025%; 1 homozygote.

Submissions (5):

Labcorp Genetics (formerly Invitae), Labcorp
Classification: Likely benign for Nephronophthisis. Last evaluated: 2025-12-26. Review status: criteria provided, single submitter. Criteria: Invitae Variant Classification Sherloc (09022015). Collection method: clinical testing. Allele origin: germline.

Blueprint Genetics
Classification: Likely benign. Last evaluated: 2024-08-14. Review status: criteria provided, single submitter. Criteria: ACMG Guidelines, 2015. Collection method: clinical testing. Allele origin: germline.

Fulgent Genetics
Classification: Likely benign for Nephronophthisis 1; Senior-Loken syndrome 1; Joubert syndrome with renal defect. Last evaluated: 2021-12-22. Review status: criteria provided, single submitter. Criteria: ACMG Guidelines, 2015. Collection method: clinical testing. Allele origin: unknown.

GeneDx
Classification: Likely benign. Last evaluated: 2016-04-25. Review status: criteria provided, single submitter. Criteria: GeneDx Variant Classification (06012015). Collection method: clinical testing. Allele origin: germline. Affected: yes.
Comment: This variant is considered likely benign or benign based on one or more of the following criteria: it is a conservative change, it occurs at a poorly conserved position in the protein, it is predicted to be benign by multiple in silico algorithms, and/or has population frequency not consistent with disease.

PreventionGenetics, part of Exact Sciences
Classification: Likely benign for NPHP1-related condition. Last evaluated: 2023-11-29. Review status: no assertion criteria provided. Collection method: clinical testing. Allele origin: germline. Not counted in ClinVar's aggregate classification.
Comment: This variant is classified as likely benign based on ACMG/AMP sequence variant interpretation guidelines (Richards et al. 2015 PMID: 25741868, with internal and published modifications).